The following is an entry in ClinVar:

ClinVar aggregate classification (germline): Uncertain significance (1 of 4 stars; one submission).

Conditions:
Catecholaminergic polymorphic ventricular tachycardia 1. Also called: VENTRICULAR TACHYCARDIA, STRESS-INDUCED POLYMORPHIC 1; RYR2-Related Catecholaminergic Polymorphic Ventricular Tachycardia; VENTRICULAR TACHYCARDIA, CATECHOLAMINERGIC POLYMORPHIC, 1, WITH OR WITHOUT ATRIAL DYSFUNCTION AND/OR DILATED CARDIOMYOPATHY. Identifiers: Orphanet 3286, MedGen C1631597, MONDO:0011484, OMIM 604772.

Submission:

Labcorp Genetics (formerly Invitae), Labcorp
Classification: Uncertain significance for Catecholaminergic polymorphic ventricular tachycardia 1. Last evaluated: 2025-02-15. Review status: criteria provided, single submitter. Criteria: Invitae Variant Classification Sherloc (09022015). Collection method: clinical testing. Allele origin: germline.
Comment: This sequence change replaces cysteine, which is neutral and slightly polar, with arginine, which is basic and polar, at codon 577 of the RYR2 protein (p.Cys577Arg). This variant is not present in population databases (gnomAD no frequency). This variant has not been reported in the literature in individuals affected with RYR2-related conditions. Invitae Evidence Modeling of protein sequence and biophysical properties (such as structural, functional, and spatial information, amino acid conservation, physicochemical variation, residue mobility, and thermodynamic stability) indicates that this missense variant is expected to disrupt RYR2 protein function with a positive predictive value of 95%. In summary, the available evidence is currently insufficient to determine the role of this variant in disease. Therefore, it has been classified as a Variant of Uncertain Significance.

NM_001035.3(RYR2):c.1729T>C (p.Cys577Arg)

Gene: RYR2 (ryanodine receptor 2; plus strand). Cytogenetic location: 1q43.
Variant type: single nucleotide variant.
Coding change: c.1729T>C on transcript NM_001035.3 (MANE Select); coding-DNA position 1729, T replaced by C.
Protein change: p.Cys577Arg; replaces cysteine 577 with arginine.
Molecular consequence: missense variant.
Genome position (GRCh38, 1-based): chr1:237,491,826, T>C. VCF-style: chr1-237491826-T-C. GRCh37 (hg19) VCF-style: chr1-237655126-T-C.
Other names: short protein forms C577R.
Identifiers: ClinVar variation 4800054 (VCV004800054.1).